The following is an entry in ClinVar:

ClinVar aggregate classification (germline): Likely benign. Review status: criteria provided, multiple submitters, no conflicts (2 of 4 stars). 2 submissions from 2 submitters: Likely benign (2). Last evaluated 2025-07-01.

Conditions:
Fanconi anemia (FA). Also called: Fanconi's anemia. Identifiers: Orphanet 84, MedGen C0015625, MeSH D005199, MONDO:0019391.

Allele frequency attached by ClinVar (database versions not stated): gnomAD exomes below 0.00001; gnomAD 0.00001; TOPMed 0.00001.
gnomAD v4.1: 2 of 1,613,948 alleles (0.00012%); highest among the groups gnomAD compares: African/African-American, 0.0027%; no homozygotes.

Submissions (2):

CeGaT Center for Human Genetics Tuebingen
Classification: Likely benign. Last evaluated: 2025-07-01. Review status: criteria provided, single submitter. Criteria: CeGaT Center For Human Genetics Tuebingen Variant Classification Criteria Version 2. Collection method: clinical testing. Allele origin: germline. Affected: yes. Observed: 2 variant alleles.
Comment: FANCI: BP4, BP7

Labcorp Genetics (formerly Invitae), Labcorp
Classification: Likely benign for Fanconi anemia. Last evaluated: 2024-04-05. Review status: criteria provided, single submitter. Criteria: Invitae Variant Classification Sherloc (09022015). Collection method: clinical testing. Allele origin: germline.

NM_001113378.2(FANCI):c.33A>G (p.Glu11=)

Gene: FANCI (FA complementation group I; plus strand). Cytogenetic location: 15q26.1.
Variant type: single nucleotide variant.
Coding change: c.33A>G on transcript NM_001113378.2 (MANE Select); coding-DNA position 33, A replaced by G.
Protein change: p.Glu11=; no amino-acid change (glutamic acid 11 retained).
Molecular consequence: synonymous variant. On other transcripts: 5 prime UTR variant (1).
Genome position (GRCh38, 1-based): chr15:89,247,680, A>G. VCF-style: chr15-89247680-A-G. GRCh37 (hg19) VCF-style: chr15-89790911-A-G.
Other names: c.-242A>G (NM_001376910.1); c.33A>G, p.Glu11= (NM_001376911.1, NM_018193.3).
Identifiers: ClinVar variation 238325 (VCV000238325.19), dbSNP rs878854180, ClinGen allele CA10583262.